The following is an entry in ClinVar:

ClinVar aggregate classification (germline): Uncertain significance (1 of 4 stars; one submission).

Conditions:
Developmental and epileptic encephalopathy, 9 (DEE9). Also called: Early infantile epileptic encephalopathy 9; EPILEPSY, FEMALE-RESTRICTED, WITH MENTAL RETARDATION; JUBERG-HELLMAN SYNDROME; PCDH19-Related X-Linked Female-Limited Epilepsy with Mental Retardation. Identifiers: Orphanet 101039, Orphanet 2076, MedGen C1848137, MONDO:0010246, OMIM 300088. Disease mechanism: loss of function.

Submission:

Labcorp Genetics (formerly Invitae), Labcorp
Classification: Uncertain significance for Developmental and epileptic encephalopathy, 9. Last evaluated: 2023-05-04. Review status: criteria provided, single submitter. Criteria: Invitae Variant Classification Sherloc (09022015). Collection method: clinical testing. Allele origin: germline.
Comment: This sequence change replaces serine, which is neutral and polar, with tryptophan, which is neutral and slightly polar, at codon 741 of the PCDH19 protein (p.Ser741Trp). This variant is present in population databases (no rsID available, gnomAD 0.008%). This variant has not been reported in the literature in individuals affected with PCDH19-related conditions. Advanced modeling of protein sequence and biophysical properties (such as structural, functional, and spatial information, amino acid conservation, physicochemical variation, residue mobility, and thermodynamic stability) performed at Invitae indicates that this missense variant is not expected to disrupt PCDH19 protein function. Algorithms developed to predict the effect of sequence changes on RNA splicing suggest that this variant may disrupt the consensus splice site. In summary, the available evidence is currently insufficient to determine the role of this variant in disease. Therefore, it has been classified as a Variant of Uncertain Significance.

NM_001184880.2(PCDH19):c.2222C>G (p.Ser741Trp)

Gene: PCDH19 (protocadherin 19; minus strand). Cytogenetic location: Xq22.1.
Variant type: single nucleotide variant.
Coding change: c.2222C>G on transcript NM_001184880.2 (MANE Select); coding-DNA position 2222, C replaced by G.
Protein change: p.Ser741Trp; replaces serine 741 with tryptophan.
Molecular consequence: missense variant. On other transcripts: intron variant (2).
Genome position (GRCh38, 1-based): chrX:100,403,590, G>C on the plus strand (C>G on the coding strand, the complement: PCDH19 is on the minus strand). VCF-style: chrX-100403590-G-C. GRCh37 (hg19) VCF-style: chrX-99658588-G-C.
Other names: c.2148-739C>G (NM_020766.3, NM_001105243.2); short protein forms S741W.
Identifiers: ClinVar variation 2861959 (VCV002861959.3), dbSNP rs1335592289, ClinGen allele CA414006993.
Genomic context (GRCh38, chrX:100,403,590, plus strand): 5'-CCCCTTAGGCTCACTTTCTCCTCTGTCTTTTTGTCTTGCTCCTCGCTAATGGGAGAAACC[G>C]AGATGCAATGCAGACACTTGCTGTTTTGTCCTTTTATAAAACAGCCGAGGAGACAAGTGA-3'
Protein context (NP_001171809.1, residues 731-751): GQNSKCLHCI[Ser741Trp]VSPISEEQDK